The following is an entry in ClinVar:

ClinVar aggregate classification (germline): Uncertain significance (1 of 4 stars; one submission).

Conditions:
Severe combined immunodeficiency due to DNA-PKcs deficiency. Also called: IMMUNODEFICIENCY 26 WITH NEUROLOGIC ABNORMALITIES; Immunodeficiency 26 with or without neurologic abnormalities. Identifiers: Orphanet 317425, MedGen C4014833, MONDO:0014423, OMIM 615966.

gnomAD v4.1: 4 of 1,601,064 alleles (0.00025%); highest among the groups gnomAD compares: Admixed American, 0.0052%; no homozygotes.

Submission:

Labcorp Genetics (formerly Invitae), Labcorp
Classification: Uncertain significance for Severe combined immunodeficiency due to DNA-PKcs deficiency. Last evaluated: 2022-01-28. Review status: criteria provided, single submitter. Criteria: Invitae Variant Classification Sherloc (09022015). Collection method: clinical testing. Allele origin: germline.
Comment: In summary, the available evidence is currently insufficient to determine the role of this variant in disease. Therefore, it has been classified as a Variant of Uncertain Significance. Experimental studies and prediction algorithms are not available or were not evaluated, and the functional significance of this variant is currently unknown. This variant has not been reported in the literature in individuals affected with PRKDC-related conditions. This variant is not present in population databases (gnomAD no frequency). This sequence change replaces glycine, which is neutral and non-polar, with glutamic acid, which is acidic and polar, at codon 2815 of the PRKDC protein (p.Gly2815Glu).

NM_006904.7(PRKDC):c.8444G>A (p.Gly2815Glu)

Gene: PRKDC (protein kinase, DNA-activated, catalytic subunit; minus strand). Cytogenetic location: 8q11.21.
Variant type: single nucleotide variant.
Coding change: c.8444G>A on transcript NM_006904.7 (MANE Select); coding-DNA position 8444, G replaced by A.
Protein change: p.Gly2815Glu; replaces glycine 2815 with glutamic acid.
Molecular consequence: missense variant.
Genome position (GRCh38, 1-based): chr8:47,828,301, C>T on the plus strand (G>A on the coding strand, the complement: PRKDC is on the minus strand). VCF-style: chr8-47828301-C-T. GRCh37 (hg19) VCF-style: chr8-48740862-C-T.
Other names: c.8444G>A, p.Gly2815Glu (NM_001081640.2); short protein forms G2815E.
Identifiers: ClinVar variation 1966262 (VCV001966262.5), dbSNP rs987446036, ClinGen allele CA371144604.
Genomic context (GRCh38, chr8:47,828,301, plus strand): 5'-TTTTGAGTGATGTTGTTTTTTTCAGACAGTGTCTTAAATTTATCCATCTCTTTCAAAATT[C>T]CAGAAAACAAGCTGCTAAAGAGCTGTTTTGCAATTATTGGGTCCCTCTGTAAAAAATTCA-3'
Protein context (NP_008835.5, residues 2805-2825): AKQLFSSLFS[Gly2815Glu]ILKEMDKFKT